The following is an entry in ClinVar:

NM_001385012.1(NBEA):c.3973C>A (p.Arg1325=)

Gene: NBEA (neurobeachin; plus strand). Cytogenetic location: 13q13.3.
Variant type: single nucleotide variant.
Coding change: c.3973C>A on transcript NM_001385012.1 (MANE Select); coding-DNA position 3973, C replaced by A.
Protein change: p.Arg1325=; no amino-acid change (arginine 1325 retained).
Molecular consequence: synonymous variant.
Genome position (GRCh38, 1-based): chr13:35,161,861, C>A. VCF-style: chr13-35161861-C-A. GRCh37 (hg19) VCF-style: chr13-35735998-C-A.
Other names: c.3973C>A, p.Arg1325= (NM_001379245.1, NM_015678.5).
Identifiers: ClinVar variation 4874509 (VCV004874509.2).

ClinVar aggregate classification (germline): Uncertain significance (1 of 4 stars; one submission).

Submission:

CeGaT Center for Human Genetics Tuebingen
Classification: Uncertain significance. Last evaluated: 2026-04-01. Review status: criteria provided, single submitter. Criteria: CeGaT Center For Human Genetics Tuebingen Variant Classification Criteria Version 2. Collection method: clinical testing. Allele origin: germline. Affected: yes. Observed: 1 variant allele.
Comment: NBEA: PM2:Supporting, BP4